The following is an entry in ClinVar:

ClinVar aggregate classification (germline): Conflicting classifications of pathogenicity. Review status: criteria provided, conflicting classifications (1 of 4 stars). 2 submissions from 2 submitters: Pathogenic (1); Uncertain significance (1). Last evaluated 2024-02-23.

Conditions:
Early-infantile DEE. Also called: Early infantile epileptic encephalopathy; Ohtahara syndrome; Early infantile epileptic encephalopathy with suppression bursts. Identifiers: Orphanet 1934, MedGen C0393706, MONDO:0800491.

Submissions (2):

Labcorp Genetics (formerly Invitae), Labcorp
Classification: Pathogenic for Early-infantile DEE. Last evaluated: 2024-02-23. Review status: criteria provided, single submitter. Criteria: Invitae Variant Classification Sherloc (09022015). Collection method: clinical testing. Allele origin: germline.
Comment: This sequence change replaces threonine, which is neutral and polar, with asparagine, which is neutral and polar, at codon 1709 of the SCN1A protein (p.Thr1709Asn). This variant is not present in population databases (gnomAD no frequency). This missense change has been observed in individuals with clinical features of SCN1A-related conditions (PMID: 28202706, 35074891). ClinVar contains an entry for this variant (Variation ID: 870750). Advanced modeling of protein sequence and biophysical properties (such as structural, functional, and spatial information, amino acid conservation, physicochemical variation, residue mobility, and thermodynamic stability) performed at Invitae indicates that this missense variant is expected to disrupt SCN1A protein function with a positive predictive value of 95%. This variant disrupts the p.Thr1709 amino acid residue in SCN1A. Other variant(s) that disrupt this residue have been determined to be pathogenic (PMID: 12566275, 15277629, 16210358). This suggests that this residue is clinically significant, and that variants that disrupt this residue are likely to be disease-causing. For these reasons, this variant has been classified as Pathogenic.

CeGaT Center for Human Genetics Tuebingen
Classification: Uncertain significance. Last evaluated: 2019-11-01. Review status: criteria provided, single submitter. Criteria: CeGaT Center For Human Genetics Tuebingen Variant Classification Criteria Version 2. Collection method: clinical testing. Allele origin: germline. Affected: yes. Observed: 1 variant allele.

Literature cited by the submitters: PubMed 28202706 (cited by Labcorp Genetics (formerly Invitae), Labcorp); PubMed 35074891 (cited by Labcorp Genetics (formerly Invitae), Labcorp); PubMed 12566275 (cited by Labcorp Genetics (formerly Invitae), Labcorp); PubMed 15277629 (cited by Labcorp Genetics (formerly Invitae), Labcorp); PubMed 16210358 (cited by Labcorp Genetics (formerly Invitae), Labcorp).

NM_001165963.4(SCN1A):c.5126C>A (p.Thr1709Asn)

Genes: SCN1A (sodium voltage-gated channel alpha subunit 1; minus strand), LOC102724058 (uncharacterized LOC102724058; plus strand). Cytogenetic location: 2q24.3.
Variant type: single nucleotide variant.
Coding change: c.5126C>A on transcript NM_001165963.4 (MANE Select); coding-DNA position 5126, C replaced by A.
Protein change: p.Thr1709Asn; replaces threonine 1709 with asparagine.
Molecular consequence: missense variant. On other transcripts: non-coding transcript variant (1).
Genome position (GRCh38, 1-based): chr2:165,992,149, G>T on the plus strand (C>A on the coding strand, the complement: SCN1A is on the minus strand). VCF-style: chr2-165992149-G-T. GRCh37 (hg19) VCF-style: chr2-166848659-G-T.
Other names: c.5042C>A, p.Thr1681Asn (NM_001165964.3, NM_001353957.2, NM_001353958.2); c.5126C>A, p.Thr1709Asn (NM_001202435.3, NM_001353948.2); c.5093C>A, p.Thr1698Asn (NM_001353949.2, NM_001353950.2, NM_001353951.2 and 2 more transcripts); c.5090C>A, p.Thr1697Asn (NM_001353954.2, NM_001353955.2); c.5039C>A, p.Thr1680Asn (NM_001353960.2); c.2684C>A, p.Thr895Asn (NM_001353961.2); short protein forms T1681N, T1698N, T1709N, T1680N, T1697N, T895N.
Identifiers: ClinVar variation 870750 (VCV000870750.48), dbSNP rs121918629, ClinGen allele CA349069066.